The following is an entry in ClinVar:

NM_016648.4(LARP7):c.1468G>A (p.Asp490Asn)

Gene: LARP7 (La ribonucleoprotein 7, transcriptional regulator; plus strand). Cytogenetic location: 4q25.
Variant type: single nucleotide variant.
Coding change: c.1468G>A on transcript NM_016648.4 (MANE Select); coding-DNA position 1468, G replaced by A.
Protein change: p.Asp490Asn; replaces aspartic acid 490 with asparagine.
Molecular consequence: missense variant.
Genome position (GRCh38, 1-based): chr4:112,653,128, G>A. VCF-style: chr4-112653128-G-A. GRCh37 (hg19) VCF-style: chr4-113574284-G-A.
Other names: c.1468G>A (NM_016648.2, NM_016648.3); c.1468G>A, p.Asp490Asn (NM_001267039.4, NM_001370978.1, NM_015454.3); c.1507G>A, p.Asp503Asn (NM_001370974.1, NM_001370975.1); c.1504G>A, p.Asp502Asn (NM_001370976.1, NM_001370977.1); c.1465G>A, p.Asp489Asn (NM_001370979.1, NM_001370980.1); c.1231G>A, p.Asp411Asn (NM_001370981.1, NM_001370982.1); short protein forms D489N, D502N, D503N, D411N, D490N.
Identifiers: ClinVar variation 1395475 (VCV001395475.8), dbSNP rs148722939, ClinGen allele CA3049713.

ClinVar aggregate classification (germline): Uncertain significance. Review status: criteria provided, multiple submitters, no conflicts (2 of 4 stars). 3 submissions from 3 submitters: Uncertain significance (3). Last evaluated 2026-01-31.

Conditions:
Inborn genetic diseases. Identifiers: MedGen C0950123, MeSH D030342.

Allele frequency attached by ClinVar (database versions not stated): gnomAD 0.00012 and 0.00011; gnomAD exomes 0.00021 and 0.00018; TOPMed 0.00014; ExAC 0.00016; ESP Exome Variant Server 0.00038.
gnomAD v4.1: 311 of 1,609,604 alleles (0.019%); highest among the groups gnomAD compares: Non-Finnish European, 0.024%; no homozygotes.

Submissions (3):

GeneDx
Classification: Uncertain significance. Last evaluated: 2026-01-31. Review status: criteria provided, single submitter. Criteria: GeneDx Variant Classification Process June 2021. Collection method: clinical testing. Allele origin: germline.
Comment: In silico analysis suggests that this missense variant does not alter protein structure/function; Has not been previously published as pathogenic or benign in association with a LARP7-related disorder to our knowledge; This variant is associated with the following publications: (PMID: 26740555, 28719003)

Labcorp Genetics (formerly Invitae), Labcorp
Classification: Uncertain significance. Last evaluated: 2025-09-02. Review status: criteria provided, single submitter. Criteria: Invitae Variant Classification Sherloc (09022015). Collection method: clinical testing. Allele origin: germline.
Comment: This sequence change replaces aspartic acid, which is acidic and polar, with asparagine, which is neutral and polar, at codon 490 of the LARP7 protein (p.Asp490Asn). This variant is present in population databases (rs148722939, gnomAD 0.03%). This variant has not been reported in the literature in individuals affected with LARP7-related conditions. ClinVar contains an entry for this variant (Variation ID: 1395475). Invitae Evidence Modeling of protein sequence and biophysical properties (such as structural, functional, and spatial information, amino acid conservation, physicochemical variation, residue mobility, and thermodynamic stability) indicates that this missense variant is expected to disrupt LARP7 protein function with a positive predictive value of 80%. In summary, the available evidence is currently insufficient to determine the role of this variant in disease. Therefore, it has been classified as a Variant of Uncertain Significance.

Ambry Genetics
Classification: Uncertain significance for Inborn genetic diseases. Last evaluated: 2025-05-21. Review status: criteria provided, single submitter. Criteria: Ambry Variant Classification Scheme 2023. Collection method: clinical testing. Allele origin: germline.